The following is an entry in ClinVar:

ClinVar aggregate classification (germline): Pathogenic (0 of 4 stars; one submission).

Submission:

Quest Diagnostics Nichols Institute San Juan Capistrano
Classification: Pathogenic. Last evaluated: 2021-05-01. Review status: no assertion criteria provided. Collection method: clinical testing. Allele origin: germline.
Comment: The 19p13.2p13.12 deletion is expected to cause phenotypic and/or developmental abnormalities. This deletion interval fully encompasses the 19p13.13 deletion syndrome region (OMIM 613638), which is characterized by three core features including overgrowth, ophthalmologic abnormalities such as strabismus and optic nerve atrophy or hypoplasia, and gastrointestinal symptomatology, particularly abdominal pain and vomiting. The defined smallest region of overlap (SRO) encompasses 16 genes involved in diverse processes including MAST1 (612256), NFIX (164005), and CALR (109091). In addition, haploinsufficiency of CACNA1A causes various autosomal dominant progressive and non-progressive cerebellar syndromes and paroxysmal phenotypes, such as developmental and epileptic encephalopathy-42 (OMIM 617106), episodic ataxia type 2 (OMIM 108500), familial hemiplegic migraine-1 with or without progressive cerebellar ataxia (OMIM 141500), and spinocerebellar ataxia-6 (OMIM 183086). Frequently reported comorbidities of CACNA1A-related disorders include psychomotor delay, cognitive impairment, attention deficit/hyperactivity disorder and autism, with the age of onset varying from infancy to adulthood (Damaj et al., Eur J Hum Genet. 2015 Nov;23(11):1505-12. PMID: 25735478; Blumkin et al., J Child Neurol. 2010 Jul;25(7):892-7. PMID: 20097664; Baloh et al., Ann Neurol. 1997 Jan;41(1):8-16. PMID: 9005860). Furter, 19p13.2 deletions overlapping this region, as well as focal deletions and loss-of-function variants of NFIX, are associated with Sotos syndrome-2 (OMIM 614753; also known as Malan syndrome), an overgrowth disorder characterized by tall stature, facial dysmorphism, intellectual disability, and behavioral problems (Bellucco et al., Mol Genet Genomic Med. 2019 Dec;7(12):e997. PMID: 31574590; Priolo et al., Hum Mutat. 2018 Sep;39(9):1226-1237. PMID: 29897170; Malan et al., Am J Hum Genet. 2010 Aug 13;87(2):189-98. PMID: 20673863). Loss of CACNA1A seems to be related to a higher frequency of seizures among individuals with 19p13.2 deletions (Bellucco et al., Mol Genet Genomic Med. 2019 Dec;7(12):e997. PMID: 31574590). There are multiple genes in this copy number loss that are associated with autosomal recessive disorders: MAN2B1 (OMIM 609458), DHPS (OMIM 600944), RNASEH2A (OMIM 606034), GCDH (OMIM 608801), FARSA (OMIM 602918), TRMT1 (OMIM 611669), and CC2D1A (OMIM 610055).

GRCh37/hg19 19p13.2-13.12(chr19:12697728-14111313)x1

Genes: TRMT1 (tRNA methyltransferase 1; minus strand), WDR83 (WD repeat domain 83; plus strand), WDR83OS (WD repeat domain 83 opposite strand; minus strand), YJU2B (YJU2 splicing factor homolog B; plus strand), ZNF791 (zinc finger protein 791; plus strand) and 42 more. Cytogenetic location: 19p13.2-13.12.
Variant type: copy number loss.
Change: copy number 1 (one copy instead of two) of chr19:12,697,728-14,111,313 (1.41 Mb, GRCh37 coordinates, 1-based), cytogenetic band 19p13.2-13.12.
Identifiers: ClinVar variation 1341175 (VCV001341175.1).